The following is an entry in ClinVar:

ClinVar aggregate classification (germline): Benign. Review status: criteria provided, multiple submitters, no conflicts (2 of 4 stars). 10 submissions from 10 submitters: Benign (10). Last evaluated 2026-02-04.

Conditions:
Timothy syndrome (TS). Also called: LONG QT SYNDROME WITH SYNDACTYLY. Identifiers: Orphanet 65283, MedGen C1832916, MeSH C536962, MONDO:0010979, OMIM 601005.
Long QT syndrome (LQTS). Identifiers: MedGen C0023976, MeSH D008133, MONDO:0002442. Disease mechanism: loss of function. Inheritance: Various modes of inheritance.
Cardiovascular phenotype. Identifiers: MedGen CN230736.

Allele frequency attached by ClinVar (database versions not stated): gnomAD exomes 0.19330 and 0.21001; gnomAD 0.20673 and 0.21078; ExAC 0.20951; TOPMed 0.21196; 1000 Genomes Project 30x 0.25734; 1000 Genomes Project 0.25919.
gnomAD v4.1: 314,828 of 1,611,566 alleles (20%); highest among the groups gnomAD compares: East Asian, 38%; 32,419 homozygotes.

Submissions (10):

Labcorp Genetics (formerly Invitae), Labcorp
Classification: Benign for Long QT syndrome. Last evaluated: 2026-02-04. Review status: criteria provided, single submitter. Criteria: Invitae Variant Classification Sherloc (09022015). Collection method: clinical testing. Allele origin: germline.

ARUP Laboratories, Molecular Genetics and Genomics, ARUP Laboratories
Classification: Benign. Last evaluated: 2025-07-23. Review status: criteria provided, single submitter. Criteria: ARUP Molecular Germline Variant Investigation Process 2024. Collection method: clinical testing. Allele origin: germline.

Blueprint Genetics
Classification: Benign. Last evaluated: 2024-11-27. Review status: criteria provided, single submitter. Criteria: ACMG Guidelines, 2015. Collection method: clinical testing. Allele origin: germline.

Genome-Nilou Lab
Classification: Benign for Timothy syndrome. Last evaluated: 2021-07-14. Review status: criteria provided, single submitter. Criteria: ACMG Guidelines, 2015. Collection method: clinical testing. Allele origin: germline. Affected: no.

Ambry Genetics
Classification: Benign for Cardiovascular phenotype. Last evaluated: 2015-06-18. Review status: criteria provided, single submitter. Criteria: Ambry Variant Classification Scheme 2023. Collection method: clinical testing. Allele origin: germline.

Mayo Clinic Laboratories, Mayo Clinic
Classification: Benign. Last evaluated: 2014-12-31. Review status: criteria provided, single submitter. Criteria: ACMG Guidelines, 2015. Collection method: clinical testing. Allele origin: germline. Observed: 394 variant alleles.

Eurofins Ntd Llc (ga)
Classification: Benign. Last evaluated: 2014-05-13. Review status: criteria provided, single submitter. Criteria: EGL Classification Definitions 2015. Collection method: clinical testing. Allele origin: germline. Observed: 6 variant alleles, 6 heterozygotes.

GeneDx
Classification: Benign. Last evaluated: 2011-07-10. Review status: criteria provided, single submitter. Criteria: GeneDx Variant Classification (06012015). Collection method: clinical testing. Allele origin: germline. Affected: yes.
Comment: This variant is considered likely benign or benign based on one or more of the following criteria: it is a conservative change, it occurs at a poorly conserved position in the protein, it is predicted to be benign by multiple in silico algorithms, and/or has population frequency not consistent with disease.

Breakthrough Genomics
Classification: Benign. Review status: criteria provided, single submitter. Criteria: ACMG Guidelines, 2015. Collection method: not provided. Allele origin: germline. Inheritance: Autosomal dominant inheritance. Affected: yes.

PreventionGenetics, part of Exact Sciences
Classification: Benign. Review status: criteria provided, single submitter. Criteria: ACMG Guidelines, 2015. Collection method: clinical testing. Allele origin: germline.

NM_000719.7(CACNA1C):c.3786C>T (p.Phe1262=)

Gene: CACNA1C (calcium voltage-gated channel subunit alpha1 C; plus strand). Cytogenetic location: 12p13.33.
Variant type: single nucleotide variant.
Coding change: c.3786C>T on transcript NM_000719.7 (MANE Select); coding-DNA position 3786, C replaced by T.
Protein change: p.Phe1262=; no amino-acid change (phenylalanine 1262 retained).
Molecular consequence: synonymous variant.
Genome position (GRCh38, 1-based): chr12:2,611,971, C>T. VCF-style: chr12-2611971-C-T. GRCh37 (hg19) VCF-style: chr12-2721137-C-T.
Other names: p.F1262F:TTC>TTT; p.Phe1262=; c.3846C>T, p.Phe1282= (NM_001129827.2, NM_001129832.2, NM_199460.4); c.3786C>T, p.Phe1262= (NM_001129829.2, NM_001129830.3, NM_001129831.2 and 15 more transcripts); c.3777C>T, p.Phe1259= (NM_001129844.2).
Identifiers: ClinVar variation 93404 (VCV000093404.40), dbSNP rs216008, ClinGen allele CA285361.